The following is an entry in ClinVar:

ClinVar aggregate classification (germline): Uncertain significance (1 of 4 stars; one submission).

Conditions:
Combined immunodeficiency due to DOCK8 deficiency (HIES2). Also called: DOCK8 Deficiency; HIES autosomal recessive; HYPER-IgE SYNDROME 2, AUTOSOMAL RECESSIVE, WITH RECURRENT INFECTIONS; Hyper-IgE recurrent infection syndrome, autosomal recessive; HYPER-IgE RECURRENT INFECTION SYNDROME 2, AUTOSOMAL RECESSIVE. Identifiers: Orphanet 217390, MedGen C4722305, MONDO:0009478, OMIM 243700.

Submission:

Labcorp Genetics (formerly Invitae), Labcorp
Classification: Uncertain significance for Combined immunodeficiency due to DOCK8 deficiency. Last evaluated: 2025-11-17. Review status: criteria provided, single submitter. Criteria: Invitae Variant Classification Sherloc (09022015). Collection method: clinical testing. Allele origin: germline.
Comment: This sequence change replaces phenylalanine, which is neutral and non-polar, with leucine, which is neutral and non-polar, at codon 1505 of the DOCK8 protein (p.Phe1505Leu). This variant is present in population databases (rs781102523, gnomAD 0.0009%). This variant has not been reported in the literature in individuals affected with DOCK8-related conditions. Invitae Evidence Modeling of protein sequence and biophysical properties (such as structural, functional, and spatial information, amino acid conservation, physicochemical variation, residue mobility, and thermodynamic stability) indicates that this missense variant is not expected to disrupt DOCK8 protein function with a negative predictive value of 80%. In summary, the available evidence is currently insufficient to determine the role of this variant in disease. Therefore, it has been classified as a Variant of Uncertain Significance.

NM_203447.4(DOCK8):c.4515C>G (p.Phe1505Leu)

Gene: DOCK8 (dedicator of cytokinesis 8; plus strand). Cytogenetic location: 9p24.3.
Variant type: single nucleotide variant.
Coding change: c.4515C>G on transcript NM_203447.4 (MANE Select); coding-DNA position 4515, C replaced by G.
Protein change: p.Phe1505Leu; replaces phenylalanine 1505 with leucine.
Molecular consequence: missense variant.
Genome position (GRCh38, 1-based): chr9:429,743, C>G. VCF-style: chr9-429743-C-G. GRCh37 (hg19) VCF-style: chr9-429743-C-G.
Other names: c.4215C>G, p.Phe1405Leu (NM_001190458.2); c.4311C>G, p.Phe1437Leu (NM_001193536.2); short protein forms F1405L, F1437L, F1505L.
Identifiers: ClinVar variation 4811370 (VCV004811370.1).